The following is an entry in ClinVar:

NM_002184.4(IL6ST):c.11T>G (p.Leu4Trp)

Gene: IL6ST (interleukin 6 cytokine family signal transducer; minus strand). Cytogenetic location: 5q11.2.
Variant type: single nucleotide variant.
Coding change: c.11T>G on transcript NM_002184.4 (MANE Select); coding-DNA position 11, T replaced by G.
Protein change: p.Leu4Trp; replaces leucine 4 with tryptophan.
Molecular consequence: missense variant. On other transcripts: 5 prime UTR variant (3), non-coding transcript variant (2).
Genome position (GRCh38, 1-based): chr5:55,976,268, A>C on the plus strand (T>G on the coding strand, the complement: IL6ST is on the minus strand). VCF-style: chr5-55976268-A-C. GRCh37 (hg19) VCF-style: chr5-55272096-A-C.
Other names: c.11T>G, p.Leu4Trp (NM_001190981.2, NM_001364275.2, NM_001364276.2 and 1 more transcripts); c.-782T>G (NM_001364277.2, NM_001364279.2); c.-772T>G (NM_001364278.2); c.11T>G (NM_002184.3); short protein forms L4W.
Identifiers: ClinVar variation 1990809 (VCV001990809.5), dbSNP rs776294028, ClinGen allele CA3271795.
Genomic context (GRCh38, chr5:55,976,268, plus strand): 5'-ACCTTACCTGTAGATTCAGTGGTGAGGAAAATAAACAAGGCTTGCACTAGCCAAGTCTGC[A>C]ACGTCAACATCTTGCGCGGATATTTCTGCAACAGACACATGTAATATTACTTTTAATATT-3'
Protein context (NP_002175.2, residues 1-14): MLT[Leu4Trp]QTWLVQALFI

ClinVar aggregate classification (germline): Uncertain significance. Review status: criteria provided, multiple submitters, no conflicts (2 of 4 stars). 2 submissions from 2 submitters: Uncertain significance (2). Last evaluated 2024-10-06.

Conditions:
IL6ST-related disorder. Also called: IL6ST-related condition.

Allele frequency attached by ClinVar (database versions not stated): gnomAD exomes below 0.00001; ExAC 0.00001.
gnomAD v4.1: 1 of 1,587,142 alleles (0.000063%); highest among the groups gnomAD compares: Admixed American, 0.0018%; no homozygotes.

Submissions (2):

PreventionGenetics, part of Exact Sciences
Classification: Uncertain significance for IL6ST-related condition. Last evaluated: 2024-10-06. Review status: criteria provided, single submitter. Criteria: ACMG Guidelines, 2015. Collection method: clinical testing. Allele origin: germline.
Comment: The IL6ST c.11T>G variant is predicted to result in the amino acid substitution p.Leu4Trp. To our knowledge, this variant has not been reported in the literature. This variant is reported in 0.0032% of alleles in individuals of Latino descent in gnomAD. At this time, the clinical significance of this variant is uncertain due to the absence of conclusive functional and genetic evidence.

Labcorp Genetics (formerly Invitae), Labcorp
Classification: Uncertain significance. Last evaluated: 2022-07-23. Review status: criteria provided, single submitter. Criteria: Invitae Variant Classification Sherloc (09022015). Collection method: clinical testing. Allele origin: germline.
Comment: In summary, the available evidence is currently insufficient to determine the role of this variant in disease. Therefore, it has been classified as a Variant of Uncertain Significance. Algorithms developed to predict the effect of missense changes on protein structure and function are either unavailable or do not agree on the potential impact of this missense change (SIFT: "Tolerated"; PolyPhen-2: "Possibly Damaging"; Align-GVGD: "Class C0"). This variant has not been reported in the literature in individuals affected with IL6ST-related conditions. This variant is present in population databases (rs776294028, gnomAD 0.003%). This sequence change replaces leucine, which is neutral and non-polar, with tryptophan, which is neutral and slightly polar, at codon 4 of the IL6ST protein (p.Leu4Trp).